The following is an entry in ClinVar:

ClinVar aggregate classification (germline): Likely benign (1 of 4 stars; one submission).

gnomAD v4.1: 1 of 1,548,902 alleles (0.000065%); highest among the groups gnomAD compares: South Asian, 0.0012%; no homozygotes.

Submission:

CeGaT Center for Human Genetics Tuebingen
Classification: Likely benign. Last evaluated: 2026-02-01. Review status: criteria provided, single submitter. Criteria: CeGaT Center For Human Genetics Tuebingen Variant Classification Criteria Version 2. Collection method: clinical testing. Allele origin: germline. Affected: yes. Observed: 1 variant allele.
Comment: C2CD2L: BP4, BP7

NM_001290474.2(C2CD2L):c.219G>A (p.Arg73=)

Genes: C2CD2L (C2CD2 like; plus strand), LOC130006889 (ATAC-STARR-seq lymphoblastoid silent region 3969; plus strand). Cytogenetic location: 11q23.3.
Variant type: single nucleotide variant.
Coding change: c.219G>A on transcript NM_001290474.2 (MANE Select); coding-DNA position 219, G replaced by A.
Protein change: p.Arg73=; no amino-acid change (arginine 73 retained).
Molecular consequence: synonymous variant.
Genome position (GRCh38, 1-based): chr11:119,107,960, G>A. VCF-style: chr11-119107960-G-A. GRCh37 (hg19) VCF-style: chr11-118978670-G-A.
Other names: c.219G>A, p.Arg73= (NM_001382611.1, NM_001382612.1, NM_001382613.1 and 1 more transcripts).
Identifiers: ClinVar variation 4823218 (VCV004823218.4).
Genomic context (GRCh38, chr11:119,107,960, plus strand): 5'-CGGGGAACCCGCGGGTTCCCTGCGGGAGCTGGGCGTGTGGCGCTCGCTGCTGCGGCTGCG[G>A]GCGACTCGGGCTGGCGCCGCCGAGGAGCCAGGAGTCCGGGGCCTCCTGGCGTCACTCTTC-3'
Protein context (NP_001277403.1, residues 63-83): LGVWRSLLRL[Arg73=]ATRAGAAEEP